The following is an entry in ClinVar:

NM_014363.6(SACS):c.2888C>G (p.Ser963Cys)

Gene: SACS (sacsin molecular chaperone; minus strand). Cytogenetic location: 13q12.12.
Variant type: single nucleotide variant.
Coding change: c.2888C>G on transcript NM_014363.6 (MANE Select); coding-DNA position 2888, C replaced by G.
Protein change: p.Ser963Cys; replaces serine 963 with cysteine.
Molecular consequence: missense variant.
Genome position (GRCh38, 1-based): chr13:23,340,988, G>C on the plus strand (C>G on the coding strand, the complement: SACS is on the minus strand). VCF-style: chr13-23340988-G-C. GRCh37 (hg19) VCF-style: chr13-23915127-G-C.
Other names: c.2447C>G, p.Ser816Cys (NM_001278055.2); short protein forms S816C, S963C.
Identifiers: ClinVar variation 1806340 (VCV001806340.1), dbSNP rs2542305686, ClinGen allele CA387537406.

ClinVar aggregate classification (germline): Uncertain significance (1 of 4 stars; one submission).

Conditions:
Charlevoix-Saguenay spastic ataxia (SACS). Also called: SPASTIC ATAXIA 6, AUTOSOMAL RECESSIVE; AUTOSOMAL RECESSIVE SPASTIC ATAXIA OF CHARLEVOIX-SAGUENAY; Spastic ataxia of Charlevoix-Saguenay. Identifiers: Orphanet 98, MedGen C1849140, MONDO:0010041, OMIM 270550.

Allele frequency attached by ClinVar (database versions not stated): gnomAD exomes below 0.00001.
gnomAD v4.1: 5 of 1,614,142 alleles (0.00031%); highest among the groups gnomAD compares: Non-Finnish European, 0.00042%; no homozygotes.

Submission:

Victorian Clinical Genetics Services, Murdoch Childrens Research Institute
Classification: Uncertain significance for Charlevoix-Saguenay spastic ataxia. Last evaluated: 2019-08-28. Review status: criteria provided, single submitter. Criteria: ACMG Guidelines, 2015. Collection method: clinical testing. Allele origin: germline. Inheritance: Autosomal recessive inheritance. Affected: yes.
Comment: A heterozygous missense variant was identified, NM_014363.5(SACS):c.2888C>G in exon 10 of 10 of the SACS gene. This substitution is predicted to create a major amino acid change from serine to cysteine at position 963 of the protein, NP_055178.3(SACS):p.(Ser963Cys). The serine at this position has very high conservation (100 vertebrates, UCSC), but is not situated in a known functional domain. In silico software predicts this variant to be disease causing (Polyphen, SIFT, CADD, Mutation Taster). The variant is not present in the gnomAD population database. The variant has not been previously reported in a clinical testing setting. Based on information available at the time of curation, this variant has been classified as a VARIANT of UNCERTAIN SIGNIFICANCE (VUS).